The following is an entry in ClinVar:

ClinVar aggregate classification (germline): Uncertain significance (1 of 4 stars; one submission).

Allele frequency attached by ClinVar (database versions not stated): ExAC 0.00001.
gnomAD v4.1: 2 of 1,608,490 alleles (0.00012%); highest among the groups gnomAD compares: South Asian, 0.0011%; no homozygotes.

Submission:

Labcorp Genetics (formerly Invitae), Labcorp
Classification: Uncertain significance. Last evaluated: 2023-08-16. Review status: criteria provided, single submitter. Criteria: Invitae Variant Classification Sherloc (09022015). Collection method: clinical testing. Allele origin: germline.
Comment: This sequence change replaces valine, which is neutral and non-polar, with leucine, which is neutral and non-polar, at codon 598 of the PACS2 protein (p.Val598Leu). This variant is present in population databases (rs781953013, gnomAD 0.003%). This variant has not been reported in the literature in individuals affected with PACS2-related conditions. Advanced modeling of protein sequence and biophysical properties (such as structural, functional, and spatial information, amino acid conservation, physicochemical variation, residue mobility, and thermodynamic stability) performed at Invitae indicates that this missense variant is not expected to disrupt PACS2 protein function. In summary, the available evidence is currently insufficient to determine the role of this variant in disease. Therefore, it has been classified as a Variant of Uncertain Significance.

NM_001100913.3(PACS2):c.1792G>C (p.Val598Leu)

Gene: PACS2 (phosphofurin acidic cluster sorting protein 2; plus strand). Cytogenetic location: 14q32.33.
Variant type: single nucleotide variant.
Coding change: c.1792G>C on transcript NM_001100913.3 (MANE Select); coding-DNA position 1792, G replaced by C.
Protein change: p.Val598Leu; replaces valine 598 with leucine.
Molecular consequence: missense variant.
Genome position (GRCh38, 1-based): chr14:105,384,364, G>C. VCF-style: chr14-105384364-G-C. GRCh37 (hg19) VCF-style: chr14-105850701-G-C.
Other names: c.1555G>C, p.Val519Leu (NM_001243127.3); c.1780G>C, p.Val594Leu (NM_015197.4); short protein forms V594L, V519L, V598L.
Identifiers: ClinVar variation 3011718 (VCV003011718.3), dbSNP rs781953013, ClinGen allele CA7389007.
Genomic context (GRCh38, chr14:105,384,364, plus strand): 5'-GCAGCTCCGAGTCCCCCGTGGTGACACCAGCCCCACCCCTGGCATGCAGGCTCCCACCCC[G>C]TGGCCAGGTACCTAGGCTCCGTGGACTACCGCTACAACAACTTCTTCCAGGACCTGGCCT-3'
Protein context (NP_001094383.2, residues 588-608): FLVIPLGSHP[Val598Leu]ARYLGSVDYR